The following is an entry in ClinVar:

ClinVar aggregate classification (germline): Pathogenic. Review status: reviewed by expert panel (3 of 4 stars). 3 submissions from 3 submitters: Pathogenic (1). 2 of the submissions do not count toward it. Last evaluated 2016-10-18.

Conditions:
BRCA2-related cancer predisposition. Identifiers: MedGen CN377758, MONDO:0700269.
Breast-ovarian cancer, familial, susceptibility to, 2 (BROVCA2). Also called: BRCA2 Hereditary Breast and Ovarian Cancer. Identifiers: Orphanet 145, MedGen C2675520, MONDO:0012933, OMIM 612555. Disease mechanism: loss of function.

Submissions (3):

Evidence-based Network for the Interpretation of Germline Mutant Alleles (ENIGMA)
Classification: Pathogenic for Breast-ovarian cancer, familial, susceptibility to, 2. Last evaluated: 2016-10-18. Review status: reviewed by expert panel. Criteria: ENIGMA BRCA1/2 Classification Criteria (2015). Collection method: curation. Allele origin: germline.
Comment: Variant allele predicted to encode a truncated non-functional protein.

All of Us Research Program, National Institutes of Health
Classification: Pathogenic for BRCA2-related cancer predisposition. Last evaluated: 2024-09-23. Review status: criteria provided, single submitter. Criteria: ACMG Guidelines, 2015. Collection method: clinical testing. Allele origin: germline. Inheritance: Autosomal dominant inheritance. Observed: 1 variant allele, 1 heterozygote. Not counted in ClinVar's aggregate classification.
Comment: This variant changes 1 nucleotide in exon 11 of the BRCA2 gene, creating a premature translation stop signal. This variant is expected to result in an absent or non-functional protein product. This variant has been reported in one suspected hereditary breast and ovarian cancer family (PMID: 29446198). This variant has not been identified in the general population by the Genome Aggregation Database (gnomAD). Loss of BRCA2 function is a known mechanism of disease. Based on the available evidence, this variant is classified as Pathogenic.

This study involves interpretation of variants in research participants for the purpose of population health screening. Participant phenotype was not available at the time of variant classification. Additional details can be found in publication PMID: 35346344, PMCID: PMC8962531

Consortium of Investigators of Modifiers of BRCA1/2 (CIMBA), c/o University of Cambridge
Classification: Pathogenic for Breast-ovarian cancer, familial, susceptibility to, 2. Last evaluated: 2015-10-02. Review status: criteria provided, single submitter. Criteria: CIMBA Mutation Classification guidelines May 2016. Collection method: clinical testing. Allele origin: germline. Not counted in ClinVar's aggregate classification.

Literature cited by the submitters: PubMed 29446198 (cited by All of Us Research Program, National Institutes of Health).

NM_000059.4(BRCA2):c.6676G>T (p.Glu2226Ter)

Gene: BRCA2 (BRCA2 DNA repair associated; plus strand). Cytogenetic location: 13q13.1.
Variant type: single nucleotide variant.
Coding change: c.6676G>T on transcript NM_000059.4 (MANE Select); coding-DNA position 6676, G replaced by T.
Protein change: p.Glu2226Ter; replaces glutamic acid 2226 with a stop codon.
Molecular consequence: nonsense.
Genome position (GRCh38, 1-based): chr13:32,341,031, G>T. VCF-style: chr13-32341031-G-T. GRCh37 (hg19) VCF-style: chr13-32915168-G-T.
Other names: 6904G>T; short protein forms E2226*.
Identifiers: ClinVar variation 266970 (VCV000266970.6), dbSNP rs775859905, ClinGen allele CA10589398.